The following is an entry in ClinVar:

NM_002615.7(SERPINF1):c.1154C>T (p.Pro385Leu)

Gene: SERPINF1 (serpin family F member 1; plus strand). Cytogenetic location: 17p13.3.
Variant type: single nucleotide variant.
Coding change: c.1154C>T on transcript NM_002615.7 (MANE Select); coding-DNA position 1154, C replaced by T.
Protein change: p.Pro385Leu; replaces proline 385 with leucine.
Molecular consequence: missense variant.
Genome position (GRCh38, 1-based): chr17:1,777,343, C>T. VCF-style: chr17-1777343-C-T. GRCh37 (hg19) VCF-style: chr17-1680637-C-T.
Other names: c.1154C>T, p.Pro385Leu (NM_001329903.2); c.593C>T, p.Pro198Leu (NM_001329904.2, NM_001329905.2); c.1154C>T (NM_002615.5); short protein forms P198L, P385L.
Identifiers: ClinVar variation 1522492 (VCV001522492.7), dbSNP rs748867884, ClinGen allele CA8274967.

ClinVar aggregate classification (germline): Conflicting classifications of pathogenicity. Review status: criteria provided, conflicting classifications (1 of 4 stars). 3 submissions from 3 submitters: Uncertain significance (2); Likely benign (1). Last evaluated 2025-05-07.

Conditions:
Inborn genetic diseases. Identifiers: MedGen C0950123, MeSH D030342.

Allele frequency attached by ClinVar (database versions not stated): ExAC 0.00014; gnomAD exomes 0.00017 and 0.00006; gnomAD 0.00007 and 0.00008.
gnomAD v4.1: 103 of 1,614,018 alleles (0.0064%); highest among the groups gnomAD compares: Admixed American, 0.063%; no homozygotes.

Submissions (3):

Women's Health and Genetics/Laboratory Corporation of America, LabCorp
Classification: Uncertain significance. Last evaluated: 2025-05-07. Review status: criteria provided, single submitter. Criteria: LabCorp Variant Classification Summary - May 2015. Collection method: clinical testing. Allele origin: germline.
Comment: Variant summary: SERPINF1 c.1154C>T (p.Pro385Leu) results in a non-conservative amino acid change in the encoded protein sequence. Algorithms developed to predict the effect of missense changes on protein structure and function are either unavailable or do not agree on the potential impact of this missense change. The variant allele was found at a frequency of 0.00017 in 251488 control chromosomes. This frequency is not significantly higher than estimated for a pathogenic variant in SERPINF1 causing Osteogenesis Imperfecta (0.00017 vs 0.0011), allowing no conclusion about variant significance. To our knowledge, no occurrence of c.1154C>T in individuals affected with Osteogenesis Imperfecta and no experimental evidence demonstrating its impact on protein function have been reported. ClinVar contains an entry for this variant (Variation ID: 1522492). Based on the evidence outlined above, the variant was classified as uncertain significance.

Labcorp Genetics (formerly Invitae), Labcorp
Classification: Uncertain significance. Last evaluated: 2022-07-05. Review status: criteria provided, single submitter. Criteria: Invitae Variant Classification Sherloc (09022015). Collection method: clinical testing. Allele origin: germline.
Comment: This sequence change replaces proline, which is neutral and non-polar, with leucine, which is neutral and non-polar, at codon 385 of the SERPINF1 protein (p.Pro385Leu). This variant is present in population databases (rs748867884, gnomAD 0.08%). This variant has not been reported in the literature in individuals affected with SERPINF1-related conditions. ClinVar contains an entry for this variant (Variation ID: 1522492). Algorithms developed to predict the effect of missense changes on protein structure and function output the following: SIFT: "Not Available"; PolyPhen-2: "Benign"; Align-GVGD: "Not Available". The leucine amino acid residue is found in multiple mammalian species, which suggests that this missense change does not adversely affect protein function. In summary, the available evidence is currently insufficient to determine the role of this variant in disease. Therefore, it has been classified as a Variant of Uncertain Significance.

Ambry Genetics
Classification: Likely benign for Inborn genetic diseases. Last evaluated: 2021-06-22. Review status: criteria provided, single submitter. Criteria: Ambry Variant Classification Scheme 2023. Collection method: clinical testing. Allele origin: germline.